The following is an entry in ClinVar:

NM_001903.5(CTNNA1):c.2398G>A (p.Val800Met)

Gene: CTNNA1 (catenin alpha 1; plus strand). Cytogenetic location: 5q31.2.
Variant type: single nucleotide variant.
Coding change: c.2398G>A on transcript NM_001903.5 (MANE Select); coding-DNA position 2398, G replaced by A.
Protein change: p.Val800Met; replaces valine 800 with methionine.
Molecular consequence: missense variant. On other transcripts: intron variant (1).
Genome position (GRCh38, 1-based): chr5:138,932,677, G>A. VCF-style: chr5-138932677-G-A. GRCh37 (hg19) VCF-style: chr5-138268366-G-A.
Other names: c.2398G>A, p.Val800Met (NM_001290307.3, NM_001323982.2, NM_001323983.1 and 2 more transcripts); c.2089G>A, p.Val697Met (NM_001290309.3); c.2029G>A, p.Val677Met (NM_001290310.3); c.1288G>A, p.Val430Met (NM_001290312.1, NM_001323987.1, NM_001323988.1 and 16 more transcripts); c.2305G>A, p.Val769Met (NM_001323986.2); c.949G>A, p.Val317Met (NM_001324006.1, NM_001324007.1, NM_001324008.1 and 2 more transcripts); c.1195G>A, p.Val399Met (NM_001324011.1); c.1045G>A, p.Val349Met (NM_001324012.1, NM_001324013.1); and 1 more; short protein forms V317M, V430M, V769M, V399M, V800M, V677M, V349M, V697M.
Identifiers: ClinVar variation 2625477 (VCV002625477.2), dbSNP rs2533914247, ClinGen allele CA361134497.

ClinVar aggregate classification (germline): Uncertain significance (1 of 4 stars; one submission).

Conditions:
Hereditary cancer-predisposing syndrome. Also called: Tumor predisposition; Hereditary Cancer Syndrome; Hereditary neoplastic syndrome; Neoplastic Syndromes, Hereditary. Identifiers: Orphanet 140162, MedGen C0027672, MeSH D009386, MONDO:0015356.

Submission:

Ambry Genetics
Classification: Uncertain significance for Hereditary cancer-predisposing syndrome. Last evaluated: 2023-07-03. Review status: criteria provided, single submitter. Criteria: Ambry Variant Classification Scheme 2023. Collection method: clinical testing. Allele origin: germline.
Comment: The p.V800M variant (also known as c.2398G>A), located in coding exon 16 of the CTNNA1 gene, results from a G to A substitution at nucleotide position 2398. The valine at codon 800 is replaced by methionine, an amino acid with highly similar properties. This amino acid position is conserved. In addition, the in silico prediction for this alteration is inconclusive. Since supporting evidence is limited at this time, the clinical significance of this alteration remains unclear.